The following is an entry in ClinVar:

NM_000038.6(APC):c.1313-20A>G

Gene: APC (APC regulator of Wnt signaling pathway; plus strand). Cytogenetic location: 5q22.2.
Variant type: single nucleotide variant.
Coding change: c.1313-20A>G on transcript NM_000038.6 (MANE Select); 20 bases into the intron before coding-DNA position 1313, A replaced by G.
Molecular consequence: intron variant.
Genome position (GRCh38, 1-based): chr5:112,821,876, A>G. VCF-style: chr5-112821876-A-G. GRCh37 (hg19) VCF-style: chr5-112157573-A-G.
Other names: c.1313-20A>G (NM_001354895.2, NM_001127510.3, NM_001354896.2); c.1343-20A>G (NM_001354897.2); c.1040-20A>G (NM_001354902.2); c.1259-20A>G (NM_001127511.3); c.1238-20A>G (NM_001354898.2); c.935-20A>G (NM_001354904.2); c.464-20A>G (NM_001354906.2); c.1010-20A>G (NM_001354903.2); and 3 more.
Identifiers: ClinVar variation 2012948 (VCV002012948.5), dbSNP rs2149791637, ClinGen allele CA2578379823.

ClinVar aggregate classification (germline): Likely benign. Review status: criteria provided, multiple submitters, no conflicts (2 of 4 stars). 2 submissions from 2 submitters: Likely benign (2). Last evaluated 2025-07-29.

Conditions:
Familial adenomatous polyposis 1 (FAP1). Also called: FAMILIAL ADENOMATOUS POLYPOSIS 1, ATTENUATED; POLYPOSIS, ADENOMATOUS INTESTINAL. Identifiers: MedGen C2713442, MONDO:0021056, OMIM 175100. Disease mechanism: loss of function.

Allele frequency attached by ClinVar (database versions not stated): gnomAD exomes below 0.00001.
gnomAD v4.1: 4 of 1,569,718 alleles (0.00025%); highest among the groups gnomAD compares: Non-Finnish European, 0.00035%; no homozygotes.

Submissions (2):

Labcorp Genetics (formerly Invitae), Labcorp
Classification: Likely benign for Familial adenomatous polyposis 1. Last evaluated: 2025-07-29. Review status: criteria provided, single submitter. Criteria: Invitae Variant Classification Sherloc (09022015). Collection method: clinical testing. Allele origin: germline.

Myriad Genetics, Inc.
Classification: Likely benign for Familial adenomatous polyposis 1. Last evaluated: 2024-03-01. Review status: criteria provided, single submitter. Criteria: Myriad Autosomal Dominant, Autosomal Recessive and X-Linked Classification Criteria (2023). Collection method: clinical testing. Allele origin: unknown.
Comment: This variant is considered likely benign. This variant is intronic and is not expected to impact mRNA splicing.